The following is an entry in ClinVar:

NM_003482.4(KMT2D):c.16456G>A (p.Val5486Met)

Gene: KMT2D (lysine methyltransferase 2D; minus strand). Cytogenetic location: 12q13.12.
Variant type: single nucleotide variant.
Coding change: c.16456G>A on transcript NM_003482.4 (MANE Select); coding-DNA position 16456, G replaced by A.
Protein change: p.Val5486Met; replaces valine 5486 with methionine.
Molecular consequence: missense variant.
Genome position (GRCh38, 1-based): chr12:49,022,108, C>T on the plus strand (G>A on the coding strand, the complement: KMT2D is on the minus strand). VCF-style: chr12-49022108-C-T. GRCh37 (hg19) VCF-style: chr12-49415891-C-T.
Other names: short protein forms V5486M.
Identifiers: ClinVar variation 3252929 (VCV003252929.3), dbSNP rs2137703828.

ClinVar aggregate classification (germline): Uncertain significance. Review status: criteria provided, multiple submitters, no conflicts (2 of 4 stars). 3 submissions from 3 submitters: Uncertain significance (3). Last evaluated 2025-05-31.

Conditions:
Inborn genetic diseases. Identifiers: MedGen C0950123, MeSH D030342.

Allele frequency attached by ClinVar (database versions not stated): gnomAD exomes below 0.00001.
gnomAD v4.1: 2 of 1,613,940 alleles (0.00012%); highest among the groups gnomAD compares: East Asian, 0.0022%; no homozygotes.

Submissions (3):

Ambry Genetics
Classification: Uncertain significance for Inborn genetic diseases. Last evaluated: 2025-05-31. Review status: criteria provided, single submitter. Criteria: Ambry Variant Classification Scheme 2023. Collection method: clinical testing. Allele origin: germline.
Comment: The c.16456G>A (p.V5486M) alteration is located in exon 53 (coding exon 53) of the KMT2D gene. This alteration results from a G to A substitution at nucleotide position 16456, causing the valine (V) at amino acid position 5486 to be replaced by a methionine (M). This variant was not reported in population-based cohorts in the Genome Aggregation Database (gnomAD). This amino acid position is highly conserved in available vertebrate species. This missense alteration is located in a region that has a low rate of benign missense variation (Lek, 2016; Firth, 2009). This alteration is predicted to be deleterious by in silico analysis. Based on insufficient or conflicting evidence, the clinical significance of this alteration remains unclear.

Blueprint Genetics
Classification: Uncertain significance. Last evaluated: 2024-11-04. Review status: criteria provided, single submitter. Criteria: ACMG Guidelines, 2015. Collection method: clinical testing. Allele origin: germline.

GeneDx
Classification: Uncertain significance. Last evaluated: 2024-04-29. Review status: criteria provided, single submitter. Criteria: GeneDx Variant Classification Process June 2021. Collection method: clinical testing. Allele origin: germline. Affected: yes.
Comment: Not observed at significant frequency in large population cohorts (gnomAD); In silico analysis supports that this missense variant has a deleterious effect on protein structure/function; Has not been previously reported as a pathogenic or benign germline variant to our knowledge; This variant is associated with the following publications: (PMID: 29305415)